The following is an entry in ClinVar:

ClinVar aggregate classification (germline): Uncertain significance (1 of 4 stars; one submission).

Conditions:
Charcot-Marie-Tooth disease type 4. Also called: Charcot-Marie-Tooth, Type 4; Charcot-Marie-Tooth disease, type IV. Identifiers: Orphanet 64749, MedGen C4082197, MONDO:0018995.

Allele frequency attached by ClinVar (database versions not stated): TOPMed below 0.00001; ExAC 0.00001.
gnomAD v4.1: 2 of 1,614,106 alleles (0.00012%); highest among the groups gnomAD compares: Non-Finnish European, 0.00017%; no homozygotes.

Submission:

Labcorp Genetics (formerly Invitae), Labcorp
Classification: Uncertain significance for Charcot-Marie-Tooth disease type 4. Last evaluated: 2022-04-09. Review status: criteria provided, single submitter. Criteria: Invitae Variant Classification Sherloc (09022015). Collection method: clinical testing. Allele origin: germline.
Comment: This sequence change replaces alanine, which is neutral and non-polar, with glutamic acid, which is acidic and polar, at codon 80 of the SH3TC2 protein (p.Ala80Glu). This variant is present in population databases (rs767933228, gnomAD 0.0009%). This variant has not been reported in the literature in individuals affected with SH3TC2-related conditions. Advanced modeling of protein sequence and biophysical properties (such as structural, functional, and spatial information, amino acid conservation, physicochemical variation, residue mobility, and thermodynamic stability) performed at Invitae indicates that this missense variant is not expected to disrupt SH3TC2 protein function. In summary, the available evidence is currently insufficient to determine the role of this variant in disease. Therefore, it has been classified as a Variant of Uncertain Significance.

NM_024577.4(SH3TC2):c.239C>A (p.Ala80Glu)

Gene: SH3TC2 (SH3 domain and tetratricopeptide repeats 2; minus strand). Cytogenetic location: 5q32.
Variant type: single nucleotide variant.
Coding change: c.239C>A on transcript NM_024577.4 (MANE Select); coding-DNA position 239, C replaced by A.
Protein change: p.Ala80Glu; replaces alanine 80 with glutamic acid.
Molecular consequence: missense variant.
Genome position (GRCh38, 1-based): chr5:149,047,902, G>T on the plus strand (C>A on the coding strand, the complement: SH3TC2 is on the minus strand). VCF-style: chr5-149047902-G-T. GRCh37 (hg19) VCF-style: chr5-148427465-G-T.
Other names: short protein forms A80E.
Identifiers: ClinVar variation 2090057 (VCV002090057.4), dbSNP rs767933228, ClinGen allele CA3499589.